The following is an entry in ClinVar:

NM_004168.4(SDHA):c.934C>T (p.Arg312Cys)

Gene: SDHA (succinate dehydrogenase complex flavoprotein subunit A; plus strand). Cytogenetic location: 5p15.33.
Variant type: single nucleotide variant.
Coding change: c.934C>T on transcript NM_004168.4 (MANE Select); coding-DNA position 934, C replaced by T.
Protein change: p.Arg312Cys; replaces arginine 312 with cysteine.
Molecular consequence: missense variant.
Genome position (GRCh38, 1-based): chr5:233,515, C>T. VCF-style: chr5-233515-C-T. GRCh37 (hg19) VCF-style: chr5-233630-C-T.
Other names: c.790C>T, p.Arg264Cys (NM_001294332.2); c.934C>T, p.Arg312Cys (NM_001330758.2); short protein forms R264C, R312C.
Identifiers: ClinVar variation 1318647 (VCV001318647.12), dbSNP rs1735549033, ClinGen allele CA359012606.
Genomic context (GRCh38, chr5:233,515, plus strand): 5'-AAATATGTGTGGTTTTTTGCAGGCATATATGGTGCTGGTTGTCTCATTACGGAAGGATGT[C>T]GTGGAGAGGGAGGCATTCTCATTAACAGTCAAGGCGAAAGGTTTATGGAGCGATACGCCC-3'
Protein context (NP_004159.2, residues 302-322): GAGCLITEGC[Arg312Cys]GEGGILINSQ

ClinVar aggregate classification (germline): Uncertain significance. Review status: criteria provided, multiple submitters, no conflicts (2 of 4 stars). 4 submissions from 4 submitters: Uncertain significance (4). Last evaluated 2025-06-29.

Conditions:
Pheochromocytoma/paraganglioma syndrome 5. Also called: SDHA-Related Hereditary Paraganglioma-Pheochromocytoma Syndrome; Paragangliomas 5. Identifiers: Orphanet 29072, MedGen C3279992, MONDO:0013602, OMIM 614165.
Mitochondrial complex II deficiency, nuclear type 1. Also called: SUCCINATE CoQ REDUCTASE DEFICIENCY. Identifiers: Orphanet 3208, MedGen C5700310, MONDO:0100294, OMIM 252011.
Hereditary cancer-predisposing syndrome. Also called: Hereditary Cancer Syndrome; Neoplastic Syndromes, Hereditary; Tumor predisposition; Hereditary neoplastic syndrome. Identifiers: Orphanet 140162, MedGen C0027672, MeSH D009386, MONDO:0015356.

Allele frequency attached by ClinVar (database versions not stated): gnomAD exomes below 0.00001.
gnomAD v4.1: 4 of 1,614,102 alleles (0.00025%); highest among the groups gnomAD compares: Non-Finnish European, 0.00017%; no homozygotes.

Submissions (4):

Labcorp Genetics (formerly Invitae), Labcorp
Classification: Uncertain significance for Pheochromocytoma/paraganglioma syndrome 5; Mitochondrial complex II deficiency, nuclear type 1. Last evaluated: 2025-06-29. Review status: criteria provided, single submitter. Criteria: Invitae Variant Classification Sherloc (09022015). Collection method: clinical testing. Allele origin: germline.
Comment: This sequence change replaces arginine, which is basic and polar, with cysteine, which is neutral and slightly polar, at codon 312 of the SDHA protein (p.Arg312Cys). This variant is not present in population databases (gnomAD no frequency). This variant has not been reported in the literature in individuals affected with SDHA-related conditions. ClinVar contains an entry for this variant (Variation ID: 1318647). Invitae Evidence Modeling of protein sequence and biophysical properties (such as structural, functional, and spatial information, amino acid conservation, physicochemical variation, residue mobility, and thermodynamic stability) has been performed for this missense variant. However, the output from this modeling did not meet the statistical confidence thresholds required to predict the impact of this variant on SDHA protein function. Experimental studies have shown that this missense change affects SDHA function (PMID: 28724664). In summary, the available evidence is currently insufficient to determine the role of this variant in disease. Therefore, it has been classified as a Variant of Uncertain Significance.

Ambry Genetics
Classification: Uncertain significance for Hereditary cancer-predisposing syndrome. Last evaluated: 2024-12-17. Review status: criteria provided, single submitter. Criteria: Ambry Variant Classification Scheme 2023. Collection method: clinical testing. Allele origin: germline.
Comment: The p.R312C variant (also known as c.934C>T), located in coding exon 8 of the SDHA gene, results from a C to T substitution at nucleotide position 934. The arginine at codon 312 is replaced by cysteine, an amino acid with highly dissimilar properties. This variant was reported at least one individual with isolated pheochromocytoma (Ambry internal data). Based on internal structural analysis, p.R312C disrupts a key residue in the active site of SDHA, though there are no comparable internally pathogenic variants at the same position or nearby (Ambry internal data). This amino acid position is highly conserved in available vertebrate species. In addition, this alteration is predicted to be deleterious by in silico analysis. Based on the available evidence, the clinical significance of this variant remains unclear.

GeneDx
Classification: Uncertain significance. Last evaluated: 2022-02-18. Review status: criteria provided, single submitter. Criteria: GeneDx Variant Classification Process June 2021. Collection method: clinical testing. Allele origin: germline. Affected: yes.
Comment: Not observed in large population cohorts (gnomAD); In silico analysis supports that this missense variant has a deleterious effect on protein structure/function; Has not been previously published as pathogenic or benign to our knowledge

Blueprint Genetics
Classification: Uncertain significance. Last evaluated: 2021-06-28. Review status: criteria provided, single submitter. Criteria: ACMG Guidelines, 2015. Collection method: clinical testing. Allele origin: germline.

Literature cited by the submitters: PubMed 28724664 (cited by Labcorp Genetics (formerly Invitae), Labcorp).